The following is an entry in ClinVar:

ClinVar aggregate classification (germline): Pathogenic (1 of 4 stars; one submission).

Conditions:
Distal myopathy with posterior leg and anterior hand involvement. Also called: WILLIAMS DISTAL MYOPATHY. Identifiers: Orphanet 63273, MedGen C3279722, MONDO:0013550, OMIM 614065.
Myofibrillar myopathy 5. Also called: Filaminopathy (type); FILAMINOPATHY, AUTOSOMAL DOMINANT. Identifiers: Orphanet 171445, MedGen C1836050, MONDO:0012289, OMIM 609524.
Hypertrophic cardiomyopathy 26. Also called: Cardiomyopathy, familial hypertrophic, 26. Identifiers: Orphanet 75249, MedGen C4310749, MONDO:0014883, OMIM 617047.

Submission:

Labcorp Genetics (formerly Invitae), Labcorp
Classification: Pathogenic for Distal myopathy with posterior leg and anterior hand involvement; Myofibrillar myopathy 5; Hypertrophic cardiomyopathy 26. Last evaluated: 2025-05-27. Review status: criteria provided, single submitter. Criteria: Invitae Variant Classification Sherloc (09022015). Collection method: clinical testing. Allele origin: germline.
Comment: This sequence change creates a premature translational stop signal (p.Lys1445*) in the FLNC gene. It is expected to result in an absent or disrupted protein product. Loss-of-function variants in FLNC are known to be pathogenic (PMID: 27908349). This variant is not present in population databases (gnomAD no frequency). This variant has not been reported in the literature in individuals affected with FLNC-related conditions. ClinVar contains an entry for this variant (Variation ID: 571885). For these reasons, this variant has been classified as Pathogenic.

Literature cited by the submitters: PubMed 27908349.

NM_001458.5(FLNC):c.4333_4336del (p.Gly1444_Lys1445insTer)

Gene: FLNC (filamin C; plus strand). Cytogenetic location: 7q32.1.
Variant type: Deletion.
Coding change: c.4333_4336del on transcript NM_001458.5 (MANE Select); coding-DNA positions 4333 to 4336, 4 bases deleted (AAGG; older notation c.4333_4336delAAGG).
Protein change: p.Gly1444_Lys1445insTer.
Molecular consequence: nonsense.
Genome position (GRCh38, 1-based): chr7:128,847,741-128,847,744, AAGG deleted; deleting any 4 consecutive bases within chr7:128,847,739-128,847,744 gives the same sequence; the c. name uses the placement nearest the transcript's 3' end. VCF-style (leftmost placement, unchanged base first): chr7-128847738-GGGAA-G. GRCh37 (hg19) VCF-style: chr7-128487792-GGGAA-G.
Other names: c.4333_4336del, p.Gly1444_Lys1445insTer (NM_001127487.2); c.4333_4336delAAGG (NM_001458.4).
Identifiers: ClinVar variation 571885 (VCV000571885.8), dbSNP rs1562998858, ClinGen allele CA891842661.